The following is an entry in ClinVar:

NM_001040142.2(SCN2A):c.2701C>G (p.Gln901Glu)

Gene: SCN2A (sodium voltage-gated channel alpha subunit 2; plus strand). Cytogenetic location: 2q24.3.
Variant type: single nucleotide variant.
Coding change: c.2701C>G on transcript NM_001040142.2 (MANE Select); coding-DNA position 2701, C replaced by G.
Protein change: p.Gln901Glu; replaces glutamine 901 with glutamic acid.
Molecular consequence: missense variant.
Genome position (GRCh38, 1-based): chr2:165,344,693, C>G. VCF-style: chr2-165344693-C-G. GRCh37 (hg19) VCF-style: chr2-166201203-C-G.
Other names: c.2701C>G, p.Gln901Glu (NM_001040143.2, NM_001371246.1, NM_001371247.1 and 1 more transcripts); short protein forms Q901E.
Identifiers: ClinVar variation 429576 (VCV000429576.2), dbSNP rs1131691466, ClinGen allele CA349014581.

ClinVar aggregate classification (germline): Likely pathogenic (1 of 4 stars; one submission).

Submission:

GeneDx
Classification: Likely pathogenic. Last evaluated: 2015-09-24. Review status: criteria provided, single submitter. Criteria: GeneDx Variant Classification (06012015). Collection method: clinical testing. Allele origin: germline. Affected: yes.
Comment: The Q901E variant has not been published as a pathogenic variant, nor has it been reported as a benign variant to our knowledge. It was not observed in approximately 6,500 individuals of European and African American ancestry in the NHLBI Exome Sequencing Project, indicating it is not a common benign variant in these populations. The Q901E variant is a semi-conservative amino acid substitution, which may impact secondary protein structure as these residues differ in some properties. This substitution alters a conserved position predicted to be within transmembrane segment S5 in the second homologous domain of the SCN2A protein. In silico analysis predicts the Q901E variant is probably damaging to the protein structure/function. Therefore, this variant is likely pathogenic; however, the possibility that it is benign cannot be excluded.